The following is an entry in ClinVar:

NM_001130965.3(SUN1):c.449G>C (p.Trp150Ser)

Gene: SUN1 (Sad1 and UNC84 domain containing 1; plus strand). Cytogenetic location: 7p22.3.
Variant type: single nucleotide variant.
Coding change: c.449G>C on transcript NM_001130965.3 (MANE Select); coding-DNA position 449, G replaced by C.
Protein change: p.Trp150Ser; replaces tryptophan 150 with serine.
Molecular consequence: missense variant. On other transcripts: 5 prime UTR variant (4), non-coding transcript variant (3).
Genome position (GRCh38, 1-based): chr7:842,128, G>C. VCF-style: chr7-842128-G-C. GRCh37 (hg19) VCF-style: chr7-881765-G-C.
Other names: c.449G>C, p.Trp150Ser (NM_001171944.2, NM_001171946.2, NM_001367633.1 and 34 more transcripts); c.512G>C, p.Trp171Ser (NM_001171945.2); c.-9G>C (NM_001367635.1); c.299G>C, p.Trp100Ser (NM_001367636.1, NM_001367637.1, NM_001367644.1 and 25 more transcripts); c.-119G>C (NM_001367639.1, NM_001367708.1); c.668G>C, p.Trp223Ser (NM_001367651.1); c.-313G>C (NM_001367658.1); c.260G>C, p.Trp87Ser (NM_001367695.1); short protein forms W100S, W150S, W87S, W171S, W223S.
Identifiers: ClinVar variation 2969875 (VCV002969875.3), dbSNP rs2486277981, ClinGen allele CA366547204.

ClinVar aggregate classification (germline): Uncertain significance (1 of 4 stars; one submission).

Conditions:
Emery-Dreifuss muscular dystrophy (EDMD). Also called: Scapuloperoneal syndrome, X-linked (formerly); Humeroperoneal neuromuscular disease, (formerly). Identifiers: Orphanet 261, MedGen C0410189, MONDO:0016830.

Submission:

Labcorp Genetics (formerly Invitae), Labcorp
Classification: Uncertain significance for Emery-Dreifuss muscular dystrophy. Last evaluated: 2023-06-25. Review status: criteria provided, single submitter. Criteria: Invitae Variant Classification Sherloc (09022015). Collection method: clinical testing. Allele origin: germline.
Comment: In summary, the available evidence is currently insufficient to determine the role of this variant in disease. Therefore, it has been classified as a Variant of Uncertain Significance. An algorithm developed to predict the effect of missense changes on protein structure and function (PolyPhen-2) suggests that this variant is likely to be disruptive. This variant has not been reported in the literature in individuals affected with SUN1-related conditions. This variant is not present in population databases (gnomAD no frequency). This sequence change replaces tryptophan, which is neutral and slightly polar, with serine, which is neutral and polar, at codon 150 of the SUN1 protein (p.Trp150Ser).